The following is an entry in ClinVar:

NM_000138.5(FBN1):c.386G>T (p.Cys129Phe)

Gene: FBN1 (fibrillin 1; minus strand). Cytogenetic location: 15q21.1.
Variant type: single nucleotide variant.
Coding change: c.386G>T on transcript NM_000138.5 (MANE Select); coding-DNA position 386, G replaced by T.
Protein change: p.Cys129Phe; replaces cysteine 129 with phenylalanine.
Molecular consequence: missense variant.
Genome position (GRCh38, 1-based): chr15:48,600,195, C>A on the plus strand (G>T on the coding strand, the complement: FBN1 is on the minus strand). VCF-style: chr15-48600195-C-A. GRCh37 (hg19) VCF-style: chr15-48892392-C-A.
Other names: short protein forms C129F.
Identifiers: ClinVar variation 1451553 (VCV001451553.8), dbSNP rs1566935517, ClinGen allele CA392446556.
Genomic context (GRCh38, chr15:48,600,195, plus strand): 5'-TTACGTTGTCCACAGTGAGTCCCTATGTATCCTTTCTGGCATAGACAGTGATCGTCACTG[C>A]AGCTACCTCCATTCATACAGCGAATATTGCAGTGTTGTACTTGAAAAAAAAGAAGAAGAA-3'
Protein context (NP_000129.3, residues 119-139): CNIRCMNGGS[Cys129Phe]SDDHCLCQKG

ClinVar aggregate classification (germline): Pathogenic (1 of 4 stars; one submission).

Conditions:
Marfan syndrome (MFS). Also called: MARFAN SYNDROME, TYPE I; Marfan syndrome type 1; Marfan's syndrome; Marfan syndrome, classic; FBN1-Related Marfan Syndrome. Identifiers: Orphanet 284963, Orphanet 558, MedGen C0024796, MONDO:0007947, OMIM 154700.
Familial thoracic aortic aneurysm and aortic dissection (TAAD). Also called: Thoracic aortic aneurysms and dissections. Identifiers: Orphanet 91387, MedGen C4707243, MONDO:0019625.

Submission:

Labcorp Genetics (formerly Invitae), Labcorp
Classification: Pathogenic for Marfan syndrome; Familial thoracic aortic aneurysm and aortic dissection. Last evaluated: 2021-03-23. Review status: criteria provided, single submitter. Criteria: Invitae Variant Classification Sherloc (09022015). Collection method: clinical testing. Allele origin: germline.
Comment: For these reasons, this variant has been classified as Pathogenic. This variant affects a cysteine residue in the EGF-like, TGFBP or hybrid motif domains of FBN1. Cysteine residues are believed to be involved in intramolecular disulfide bridges and have been shown to be important for FBN1 protein structure (PMID: 16905551, 19349279). In addition, missense substitutions affecting cysteine residues within these domains are significantly overrepresented among patients with Marfan syndrome (PMID: 16571647, 17701892). Advanced modeling of protein sequence and biophysical properties (such as structural, functional, and spatial information, amino acid conservation, physicochemical variation, residue mobility, and thermodynamic stability) performed at Invitae indicates that this missense variant is expected to disrupt FBN1 protein function. This variant has been observed in individual(s) with clinical features of FBN1-related conditions (Invitae). This variant is not present in population databases (ExAC no frequency). This sequence change replaces cysteine with phenylalanine at codon 129 of the FBN1 protein (p.Cys129Phe). The cysteine residue is highly conserved and there is a large physicochemical difference between cysteine and phenylalanine.

Literature cited by the submitters: PubMed 16905551; PubMed 19349279; PubMed 16571647; PubMed 17701892.